The following is an entry in ClinVar:

ClinVar aggregate classification (germline): Benign/Likely benign. Review status: criteria provided, multiple submitters, no conflicts (2 of 4 stars). 2 submissions from 2 submitters: Benign (1); Likely benign (1). Last evaluated 2026-01-25.

Conditions:
L1CAM-related disorder. Also called: L1CAM-related condition.
Spastic paraplegia. Identifiers: MedGen C0037772, HP:0001258.

Allele frequency attached by ClinVar (database versions not stated): ExAC 0.00003; TOPMed 0.00003; gnomAD 0.00008.
gnomAD v4.1: 37 of 1,198,640 alleles (0.0031%); highest among the groups gnomAD compares: East Asian, 0.03%; no homozygotes.

Submissions (2):

Labcorp Genetics (formerly Invitae), Labcorp
Classification: Benign for Spastic paraplegia. Last evaluated: 2026-01-25. Review status: criteria provided, single submitter. Criteria: Invitae Variant Classification Sherloc (09022015). Collection method: clinical testing. Allele origin: germline.

PreventionGenetics, part of Exact Sciences
Classification: Likely benign for L1CAM-related condition. Last evaluated: 2024-10-10. Review status: criteria provided, single submitter. Criteria: ACMG Guidelines, 2015. Collection method: clinical testing. Allele origin: germline.
Comment: This variant is classified as likely benign based on ACMG/AMP sequence variant interpretation guidelines (Richards et al. 2015 PMID: 25741868, with internal and published modifications).

NM_001278116.2(L1CAM):c.2538C>T (p.Arg846=)

Gene: L1CAM (L1 cell adhesion molecule; minus strand). Cytogenetic location: Xq28.
Variant type: single nucleotide variant.
Coding change: c.2538C>T on transcript NM_001278116.2 (MANE Select); coding-DNA position 2538, C replaced by T.
Protein change: p.Arg846=; no amino-acid change (arginine 846 retained).
Molecular consequence: synonymous variant.
Genome position (GRCh38, 1-based): chrX:153,865,713, G>A on the plus strand (C>T on the coding strand, the complement: L1CAM is on the minus strand). VCF-style: chrX-153865713-G-A. GRCh37 (hg19) VCF-style: chrX-153131168-G-A.
Other names: c.2538C>T, p.Arg846= (NM_000425.5, NM_024003.3); c.2523C>T, p.Arg841= (NM_001143963.2); c.2538C>T (NM_000425.4).
Identifiers: ClinVar variation 2086016 (VCV002086016.5), dbSNP rs201895951, ClinGen allele CA10554159.